The following is an entry in ClinVar:

NM_001853.4(COL9A3):c.981G>A (p.Pro327=)

Gene: COL9A3 (collagen type IX alpha 3 chain; plus strand). Cytogenetic location: 20q13.33.
Variant type: single nucleotide variant.
Coding change: c.981G>A on transcript NM_001853.4 (MANE Select); coding-DNA position 981, G replaced by A.
Protein change: p.Pro327=; no amino-acid change (proline 327 retained).
Molecular consequence: synonymous variant.
Genome position (GRCh38, 1-based): chr20:62,828,949, G>A. VCF-style: chr20-62828949-G-A. GRCh37 (hg19) VCF-style: chr20-61460301-G-A.
Identifiers: ClinVar variation 1896860 (VCV001896860.11), dbSNP rs758175731, ClinGen allele CA9949649.
Genomic context (GRCh38, chr20:62,828,949, plus strand): 5'-CTCCCCTTCCGCACCCCAATCTCTGTCCTCACAGGGAGAGGCTGGTCGCAACGGTGCTCC[G>A]GGAGAGAAGGGCCCCAACGGGCTGCCGGTGAGTGCCCGGCGGGTGGGGCCAGCCTGGGGC-3'
Protein context (NP_001844.3, residues 317-337): QKGEAGRNGA[Pro327=]GEKGPNGLPG

ClinVar aggregate classification (germline): Likely benign. Review status: criteria provided, multiple submitters, no conflicts (2 of 4 stars). 2 submissions from 2 submitters: Likely benign (2). Last evaluated 2025-11-01.

Allele frequency attached by ClinVar (database versions not stated): gnomAD 0.00001; ExAC 0.00002; gnomAD exomes 0.00002; TOPMed 0.00002.
gnomAD v4.1: 28 of 1,610,434 alleles (0.0017%); highest among the groups gnomAD compares: East Asian, 0.0067%; no homozygotes.

Submissions (2):

CeGaT Center for Human Genetics Tuebingen
Classification: Likely benign. Last evaluated: 2025-11-01. Review status: criteria provided, single submitter. Criteria: CeGaT Center For Human Genetics Tuebingen Variant Classification Criteria Version 2. Collection method: clinical testing. Allele origin: germline. Affected: yes. Observed: 1 variant allele.
Comment: COL9A3: BP4, BP7

Labcorp Genetics (formerly Invitae), Labcorp
Classification: Likely benign. Last evaluated: 2025-04-01. Review status: criteria provided, single submitter. Criteria: Invitae Variant Classification Sherloc (09022015). Collection method: clinical testing. Allele origin: germline.